The following is an entry in ClinVar:

NM_024426.6(WT1):c.9C>T (p.Phe3=)

Genes: WT1 (WT1 transcription factor; minus strand), LOC107982234 (WT1/WT1-AS bi-directional promoter region; plus strand). Cytogenetic location: 11p13.
Variant type: single nucleotide variant.
Coding change: c.9C>T on transcript NM_024426.6 (MANE Select); coding-DNA position 9, C replaced by T.
Protein change: p.Phe3=; no amino-acid change (phenylalanine 3 retained).
Molecular consequence: synonymous variant. On other transcripts: 5 prime UTR variant (4), non-coding transcript variant (2).
Genome position (GRCh38, 1-based): chr11:32,435,352, G>A on the plus strand (C>T on the coding strand, the complement: WT1 is on the minus strand). VCF-style: chr11-32435352-G-A. GRCh37 (hg19) VCF-style: chr11-32456898-G-A.
Other names: c.9C>T, p.Phe3= (NM_000378.6, NM_001407044.1, NM_001407045.1 and 6 more transcripts); c.-211C>T (NM_001429031.1, NM_001429032.1, NM_001429033.1 and 1 more transcripts).
Identifiers: ClinVar variation 4202240 (VCV004202240.1).
Genomic context (GRCh38, chr11:32,435,352, plus strand): 5'-GAGCGTGTGCTGAGACGCCGGCTCCGGGACACACGTGGAAGCCGGGTCCTGCAGCAAGAG[G>A]AAGTCCAGGATCGCGGCGAGGAGACGGCGGGGCCCGGGCGCCTGGGCTGCCGTCCCGGCT-3'
Protein context (NP_077744.4, residues 1-13): MD[Phe3=]LLLQDPASTC

ClinVar aggregate classification (germline): Uncertain significance (1 of 4 stars; one submission).

Conditions:
Inborn genetic diseases. Identifiers: MedGen C0950123, MeSH D030342.

gnomAD v4.1: 1 of 1,527,006 alleles (0.000065%); highest among the groups gnomAD compares: Non-Finnish European, 0.000087%; no homozygotes.

Submission:

Ambry Genetics
Classification: Uncertain significance for Inborn genetic diseases. Last evaluated: 2025-09-02. Review status: criteria provided, single submitter. Criteria: Ambry Variant Classification Scheme 2023. Collection method: clinical testing. Allele origin: germline.
Comment: The c.-7C>T variant is located in the 5' untranslated region (5&rsquo; UTR) of the WT1 gene. This variant results from a C to T substitution 7 bases upstream from the first translated codon. Although this variant falls within the 5'UTR of transcript NM_024426.4, it is a synonymous variant (c.9C>T (p.F3F)) in the MANE Select transcript (NM_024426.6). In silico splice site analysis predicts that this alteration may result in the creation or strengthening of a novel splice acceptor site. This nucleotide position is well conserved in available vertebrate species. Based on the available evidence, the clinical significance of this variant remains unclear.